The following is an entry in ClinVar:

NM_001271.4(CHD2):c.4217G>T (p.Ser1406Ile)

Gene: CHD2 (chromodomain helicase DNA binding protein 2; plus strand). Cytogenetic location: 15q26.1.
Variant type: single nucleotide variant.
Coding change: c.4217G>T on transcript NM_001271.4 (MANE Select); coding-DNA position 4217, G replaced by T.
Protein change: p.Ser1406Ile; replaces serine 1406 with isoleucine.
Molecular consequence: missense variant.
Genome position (GRCh38, 1-based): chr15:93,002,256, G>T. VCF-style: chr15-93002256-G-T. GRCh37 (hg19) VCF-style: chr15-93545486-G-T.
Other names: short protein forms S1406I.
Identifiers: ClinVar variation 934098 (VCV000934098.9), dbSNP rs2054266595, ClinGen allele CA393901149.

ClinVar aggregate classification (germline): Uncertain significance. Review status: criteria provided, multiple submitters, no conflicts (2 of 4 stars). 2 submissions from 2 submitters: Uncertain significance (2). Last evaluated 2024-06-09.

Conditions:
Developmental and epileptic encephalopathy 94 (DEE94). Also called: CHD2-Related Neurodevelopmental Disorders; Epileptic encephalopathy, childhood-onset. Identifiers: Orphanet 1942, Orphanet 2382, MedGen C3809278, MONDO:0014150, OMIM 615369.

Submissions (2):

Labcorp Genetics (formerly Invitae), Labcorp
Classification: Uncertain significance for Developmental and epileptic encephalopathy 94. Last evaluated: 2024-06-09. Review status: criteria provided, single submitter. Criteria: Invitae Variant Classification Sherloc (09022015). Collection method: clinical testing. Allele origin: germline.
Comment: This sequence change replaces serine, which is neutral and polar, with isoleucine, which is neutral and non-polar, at codon 1406 of the CHD2 protein (p.Ser1406Ile). This variant is not present in population databases (gnomAD no frequency). This variant has not been reported in the literature in individuals affected with CHD2-related conditions. ClinVar contains an entry for this variant (Variation ID: 934098). Advanced modeling of protein sequence and biophysical properties (such as structural, functional, and spatial information, amino acid conservation, physicochemical variation, residue mobility, and thermodynamic stability) performed at Invitae indicates that this missense variant is not expected to disrupt CHD2 protein function with a negative predictive value of 95%. In summary, the available evidence is currently insufficient to determine the role of this variant in disease. Therefore, it has been classified as a Variant of Uncertain Significance.

Blueprint Genetics
Classification: Uncertain significance. Last evaluated: 2022-12-02. Review status: criteria provided, single submitter. Criteria: ACMG Guidelines, 2015. Collection method: clinical testing. Allele origin: germline.